The following is an entry in ClinVar:

ClinVar aggregate classification (germline): Uncertain significance (1 of 4 stars; one submission).

Conditions:
Beckwith-Wiedemann syndrome (BWS). Also called: Exomphalos macroglossia gigantism syndrome; EMG SYNDROME. Identifiers: Orphanet 116, MedGen C0004903, MONDO:0007534, OMIM 130650.

Submission:

Labcorp Genetics (formerly Invitae), Labcorp
Classification: Uncertain significance for Beckwith-Wiedemann syndrome. Last evaluated: 2023-11-02. Review status: criteria provided, single submitter. Criteria: Invitae Variant Classification Sherloc (09022015). Collection method: clinical testing. Allele origin: germline.
Comment: This sequence change affects the initiator methionine of the CDKN1C mRNA. The next in-frame methionine is located at codon 12. This variant is not present in population databases (gnomAD no frequency). This variant has not been reported in the literature in individuals affected with CDKN1C-related conditions. Experimental studies and prediction algorithms are not available or were not evaluated, and the functional significance of this variant is currently unknown. In summary, the available evidence is currently insufficient to determine the role of this variant in disease. Therefore, it has been classified as a Variant of Uncertain Significance.

NM_001122630.2(CDKN1C):c.-10-21G>C

Gene: CDKN1C (cyclin dependent kinase inhibitor 1C; minus strand). Cytogenetic location: 11p15.4.
Variant type: single nucleotide variant.
Coding change: c.-10-21G>C on transcript NM_001122630.2 (MANE Select); 21 bases into the intron before 10 bases upstream of the start codon, G replaced by C.
Molecular consequence: intron variant. On other transcripts: missense variant (2), initiator codon variant (2).
Genome position (GRCh38, 1-based): chr11:2,885,487, C>G on the plus strand (G>C on the coding strand, the complement: CDKN1C is on the minus strand). VCF-style: chr11-2885487-C-G. GRCh37 (hg19) VCF-style: chr11-2906717-C-G.
Other names: c.3G>C, p.Met1Ile (NM_000076.2, NM_001362474.2); c.-10-21G>C (NM_001362475.2, NM_001122631.2); short protein forms M1I.
Identifiers: ClinVar variation 2717681 (VCV002717681.3), dbSNP rs2494391518, ClinGen allele CA379148048.